The following is an entry in ClinVar:

ClinVar aggregate classification (germline): Uncertain significance (1 of 4 stars; one submission).

Conditions:
Familial thoracic aortic aneurysm and aortic dissection (TAAD). Also called: Thoracic aortic aneurysms and dissections. Identifiers: Orphanet 91387, MedGen C4707243, MONDO:0019625.

Allele frequency attached by ClinVar (database versions not stated): gnomAD exomes below 0.00001.

Submission:

Ambry Genetics
Classification: Uncertain significance for Familial thoracic aortic aneurysm and aortic dissection. Last evaluated: 2021-10-19. Review status: criteria provided, single submitter. Criteria: Ambry Variant Classification Scheme 2023. Collection method: clinical testing. Allele origin: germline.
Comment: The p.S784G variant (also known as c.2350A>G), located in coding exon 14 of the NOTCH1 gene, results from an A to G substitution at nucleotide position 2350. The serine at codon 784 is replaced by glycine, an amino acid with similar properties. This amino acid position is conserved. In addition, this alteration is predicted to be tolerated by in silico analysis. Since supporting evidence is limited at this time, the clinical significance of this alteration remains unclear.

NM_017617.5(NOTCH1):c.2350A>G (p.Ser784Gly)

Gene: NOTCH1 (notch receptor 1; minus strand). Cytogenetic location: 9q34.3.
Variant type: single nucleotide variant.
Coding change: c.2350A>G on transcript NM_017617.5 (MANE Select); coding-DNA position 2350, A replaced by G.
Protein change: p.Ser784Gly; replaces serine 784 with glycine.
Molecular consequence: missense variant.
Genome position (GRCh38, 1-based): chr9:136,513,395, T>C on the plus strand (A>G on the coding strand, the complement: NOTCH1 is on the minus strand). VCF-style: chr9-136513395-T-C. GRCh37 (hg19) VCF-style: chr9-139407847-T-C.
Other names: short protein forms S784G.
Identifiers: ClinVar variation 1789998 (VCV001789998.2), dbSNP rs2540452769, ClinGen allele CA375556866.
Genomic context (GRCh38, chr9:136,513,395, plus strand): 5'-CCAGCTCCCCAGACTCGAGGGCGGCCCTCTGCACTGAGAAACGCGCAGCCCACTCACCGC[T>C]GAAGCCCTCCCGGCAGGTGCACACGTAGCCACTGGTCATGTCTTTGCAGGTGCCGCCGTT-3'
Protein context (NP_060087.3, residues 774-794): GYVCTCREGF[Ser784Gly]GPNCQTNINE